The following is an entry in ClinVar:

ClinVar aggregate classification (germline): Conflicting classifications of pathogenicity. Review status: criteria provided, conflicting classifications (1 of 4 stars). 5 submissions from 5 submitters: Pathogenic (1); Uncertain significance (2). 2 of the submissions do not count toward it. Last evaluated 2021-11-12.

Conditions:
Retinitis pigmentosa (RP). Identifiers: Orphanet 791, MedGen C0035334, MeSH D012174, MONDO:0019200, OMIM 268000. Inheritance: Autosomal dominant, autosomal recessive and X linked inheritance.

gnomAD v4.1: 5 of 1,613,562 alleles (0.00031%); highest among the groups gnomAD compares: African/African-American, 0.0013%; no homozygotes.

Submissions (5):

Labcorp Genetics (formerly Invitae), Labcorp
Classification: Uncertain significance. Last evaluated: 2021-11-12. Review status: criteria provided, single submitter. Criteria: Invitae Variant Classification Sherloc (09022015). Collection method: clinical testing. Allele origin: germline.
Comment: In summary, the available evidence is currently insufficient to determine the role of this variant in disease. Therefore, it has been classified as a Variant of Uncertain Significance. This variant disrupts the p.Gln344 amino acid residue in RHO. Other variant(s) that disrupt this residue have been observed in individuals with RHO-related conditions (PMID: 20164459), which suggests that this may be a clinically significant amino acid residue. Advanced modeling of protein sequence and biophysical properties (such as structural, functional, and spatial information, amino acid conservation, physicochemical variation, residue mobility, and thermodynamic stability) performed at Invitae indicates that this missense variant is not expected to disrupt RHO protein function. ClinVar contains an entry for this variant (Variation ID: 813212). This missense change has been observed in individuals with autosomal dominant retinitis pigmentosa (PMID: 33576794; Invitae). This variant is present in population databases (no rsID available, gnomAD 0.003%). This sequence change replaces glutamine, which is neutral and polar, with histidine, which is basic and polar, at codon 344 of the RHO protein (p.Gln344His).

Molecular Genetics Laboratory, Institute for Ophthalmic Research
Classification: Pathogenic for Retinitis pigmentosa. Last evaluated: 2020-01-09. Review status: criteria provided, single submitter. Criteria: ACMG Guidelines, 2015. Collection method: research. Allele origin: germline. Affected: yes.

Blueprint Genetics
Classification: Uncertain significance. Last evaluated: 2019-08-05. Review status: criteria provided, single submitter. Criteria: ACMG Guidelines, 2015. Collection method: clinical testing. Allele origin: germline.

Clinical Genetics DNA and cytogenetics Diagnostics Lab, Erasmus MC, Erasmus Medical Center
Classification: Uncertain significance. Review status: no assertion criteria provided. Collection method: clinical testing. Allele origin: germline. Affected: yes. Study: VKGL Data-share Consensus. Not counted in ClinVar's aggregate classification.

Joint Genome Diagnostic Labs from Nijmegen and Maastricht, Radboudumc and MUMC+
Classification: Uncertain significance. Review status: no assertion criteria provided. Collection method: clinical testing. Allele origin: germline. Affected: yes. Study: VKGL Data-share Consensus. Not counted in ClinVar's aggregate classification.

Literature cited by the submitters: PubMed 20164459 (cited by Labcorp Genetics (formerly Invitae), Labcorp); PubMed 33576794 (cited by Labcorp Genetics (formerly Invitae), Labcorp).

NM_000539.3(RHO):c.1032G>C (p.Gln344His)

Gene: RHO (rhodopsin; plus strand). Cytogenetic location: 3q22.1.
Variant type: single nucleotide variant.
Coding change: c.1032G>C on transcript NM_000539.3 (MANE Select); coding-DNA position 1032, G replaced by C.
Protein change: p.Gln344His; replaces glutamine 344 with histidine.
Molecular consequence: missense variant.
Genome position (GRCh38, 1-based): chr3:129,533,703, G>C. VCF-style: chr3-129533703-G-C. GRCh37 (hg19) VCF-style: chr3-129252546-G-C.
Other names: short protein forms Q344H.
Identifiers: ClinVar variation 813212 (VCV000813212.12), dbSNP rs749753555, ClinGen allele CA354471266.